The following is an entry in ClinVar:

NM_025114.4(CEP290):c.4437+1G>A

Gene: CEP290 (centrosomal protein 290; minus strand). Cytogenetic location: 12q21.32.
Variant type: single nucleotide variant.
Coding change: c.4437+1G>A on transcript NM_025114.4 (MANE Select); the canonical splice donor site of the intron after coding-DNA position 4437, G replaced by A.
Molecular consequence: splice donor variant.
Genome position (GRCh38, 1-based): chr12:88,086,038, C>T on the plus strand (G>A on the coding strand, the complement: CEP290 is on the minus strand). VCF-style: chr12-88086038-C-T. GRCh37 (hg19) VCF-style: chr12-88479815-C-T.
Identifiers: ClinVar variation 285948 (VCV000285948.42), dbSNP rs760915898, ClinGen allele CA6711940.

ClinVar aggregate classification (germline): Conflicting classifications of pathogenicity. Review status: criteria provided, conflicting classifications (1 of 4 stars). 10 submissions from 10 submitters: Pathogenic (2); Likely pathogenic (6); Uncertain significance (1). 1 of the submissions does not count toward it. Last evaluated 2026-06-07.

Conditions:
Meckel-Gruber syndrome. Also called: DYSENCEPHALIA SPLANCHNOCYSTICA; GRUBER SYNDROME; Dysencephalia splachnocystica. Identifiers: Orphanet 564, MedGen C0265215, MONDO:0018921.
Nephronophthisis. Also called: Juvenile Nephronophthisis. Identifiers: Orphanet 655, MedGen C0687120, MONDO:0019005, HP:0000090.
Joubert syndrome. Also called: JOUBERT-BOLTSHAUSER SYNDROME; Familial aplasia of the vermis. Identifiers: Orphanet 475, MedGen C5979921, MONDO:0018772.
CEP290-related disorder. Also called: CEP290-related disorders; CEP290-related condition. Identifiers: MedGen CN239314.
Leber congenital amaurosis (LCA). Also called: Leber's amaurosis. Identifiers: Orphanet 65, MedGen C0339527, MeSH D057130, MONDO:0018998.
Leber congenital amaurosis 10 (LCA10). Identifiers: Orphanet 65, MedGen C1857821, MONDO:0012723, OMIM 611755.
Bardet-Biedl syndrome 14 (BBS14). Identifiers: Orphanet 110, MedGen C2673874, MONDO:0014442, OMIM 615991.
Meckel syndrome, type 4 (MKS4). Also called: MECKEL-GRUBER SYNDROME, TYPE 4. Identifiers: Orphanet 564, MedGen C1970161, MONDO:0012626, OMIM 611134.
Joubert syndrome 5 (JBTS5). Identifiers: Orphanet 2318, MedGen C1857780, MONDO:0012432, OMIM 610188.
Senior-Loken syndrome 6 (SLSN6). Identifiers: Orphanet 3156, MedGen C1857779, MONDO:0012433, OMIM 610189.

Allele frequency attached by ClinVar (database versions not stated): ExAC 0.00003; gnomAD exomes 0.00005 and 0.00014; gnomAD 0.00009; TOPMed 0.00009.
gnomAD v4.1: 213 of 1,606,222 alleles (0.013%); highest among the groups gnomAD compares: Non-Finnish European, 0.017%; no homozygotes.

Submissions (11):

PreventionGenetics, part of Exact Sciences
Classification: Likely pathogenic for CEP290-related condition. Last evaluated: 2026-06-07. Review status: criteria provided, single submitter. Criteria: ACMG Guidelines, 2015. Collection method: clinical testing. Allele origin: germline.
Comment: The CEP290 c.4437+1G>A variant is predicted to disrupt the GT donor site and interfere with normal splicing. This canonical splice variant, located at the boundary of exon 34 and intron 34, has been identified in an individual with renal cysts and nephronophthisis, but a second plausibly causative variant was not found (Thiffault et al. 2018. PubMed ID: 30311385). Variants that disrupt the consensus splice donor site in CEP290 are typically expected to be pathogenic due to frameshifting effect. However, this variant can result in exon 34 skipping, leading to an in-frame deletion of 45 amino acids. All submissions in ClinVar classified this variant as pathogenic/likely pathogenic (Variation ID: 285948). Of note, at the boundary of intron 33 and exon 34, another canonical splice variant, defined as c.4303-2A>T, which can also result in exon 34 skipping, has been reported in the compound heterozygous state with a causative nonsense variant in an individual with Joubert syndrome (Huang et al. 2022. PubMed ID: 36468023). The c.4437+1G>A variant is reported in 0.013% of alleles in individuals of European (Non-Finnish) descent in gnomAD. This variant is interpreted as likely pathogenic.

Labcorp Genetics (formerly Invitae), Labcorp
Classification: Likely pathogenic for Joubert syndrome; Meckel-Gruber syndrome; Nephronophthisis. Last evaluated: 2025-12-22. Review status: criteria provided, single submitter. Criteria: Invitae Variant Classification Sherloc (09022015). Collection method: clinical testing. Allele origin: germline.
Comment: This sequence change affects a donor splice site in intron 34 of the CEP290 gene. It is expected to disrupt RNA splicing. Variants that disrupt the donor or acceptor splice site typically lead to a loss of protein function (PMID: 16199547), and loss-of-function variants in CEP290 are known to be pathogenic (PMID: 16909394, 17345604, 20690115). This variant is present in population databases (rs760915898, gnomAD 0.01%). This variant has not been reported in the literature in individuals affected with CEP290-related conditions. ClinVar contains an entry for this variant (Variation ID: 285948). Algorithms developed to predict the effect of sequence changes on RNA splicing suggest that this variant may disrupt the consensus splice site. In summary, the currently available evidence indicates that the variant is pathogenic, but additional data are needed to prove that conclusively. Therefore, this variant has been classified as Likely Pathogenic.

GeneDx
Classification: Likely pathogenic. Last evaluated: 2025-03-03. Review status: criteria provided, single submitter. Criteria: GeneDx Variant Classification Process June 2021. Collection method: clinical testing. Allele origin: germline. Affected: yes.
Comment: Reported in a patient with developmental delay, infantile spasms, renal cysts and nephronophthisis; however, this patient also had a variant in a candidate gene that may be related to the phenotype (PMID: 30311385); Canonical splice site variant predicted to result in an in-frame loss of the adjacent exon in a gene for which loss of function is a known mechanism of disease; Not observed at significant frequency in large population cohorts (gnomAD); This variant is associated with the following publications: (PMID: 30267408, 31964843, 30311385)

Blueprint Genetics
Classification: Uncertain significance. Last evaluated: 2024-10-21. Review status: criteria provided, single submitter. Criteria: ACMG Guidelines, 2015. Collection method: clinical testing. Allele origin: germline.

Genetic Services Laboratory, University of Chicago
Classification: Likely pathogenic. Last evaluated: 2021-07-20. Review status: criteria provided, single submitter. Criteria: ACMG Guidelines, 2015. Collection method: clinical testing. Allele origin: germline. Affected: yes.
Comment: DNA sequence analysis of the CEP290 gene demonstrated a sequence change in the canonical splice donor site of intron 34, c.4437+1G>A. This sequence change is predicted to disrupt the canonical splice donor site, and affect normal splicing of exon 34. This c.4437+1G>A change does not appear to have been previously described in individuals with CEP290-related disorders. This sequence change has been described in the gnomAD database in the non-Finnish European subpopulation with a low frequency of 0.013% (dbSNP rs760915898). Collectively, this evidence suggests c.4437+1G>A is likely pathogenic, however, functional studies have not been performed to prove this conclusively.

Revvity Omics, Revvity
Classification: Pathogenic. Last evaluated: 2019-09-09. Review status: criteria provided, single submitter. Criteria: ACMG Guidelines, 2015. Collection method: clinical testing. Allele origin: germline.

Fulgent Genetics
Classification: Likely pathogenic for Joubert syndrome 5; Senior-Loken syndrome 6; Meckel syndrome, type 4; Leber congenital amaurosis 10; Bardet-Biedl syndrome 14. Last evaluated: 2018-10-31. Review status: criteria provided, single submitter. Criteria: ACMG Guidelines, 2015. Collection method: clinical testing. Allele origin: unknown.

Eurofins Ntd Llc (ga)
Classification: Pathogenic. Last evaluated: 2016-02-05. Review status: criteria provided, single submitter. Criteria: EGL Classification Definitions 2015. Collection method: clinical testing. Allele origin: germline. Observed: 1 variant allele, 1 heterozygote.

UNC Molecular Genetics  Laboratory, University of North Carolina at Chapel Hill
Classification: Likely pathogenic for CEP290-Related Disorders. Review status: criteria provided, single submitter. Criteria: ACMG Guidelines, 2015. Collection method: research. Allele origin: germline. Affected: no. Observed: 1 variant allele. Study: NSIGHT-NC NEXUS.
Comment: The CEP290 c.4437+1G>A (p.?) variant is predicted to disrupt a canonical splice donor site, which may result in an aberrant protein. This variant has not been reported in association with CEP290-related disorders.

carrier finding

Natera, Inc.
Classification: Likely pathogenic for Leber congenital amaurosis. Last evaluated: 2020-09-16. Review status: no assertion criteria provided. Collection method: clinical testing. Allele origin: germline. Not counted in ClinVar's aggregate classification.

Dr. Peter K. Rogan Lab, Western University
No classification provided (evidence only). Condition: Uterine carcinosarcoma. Review status: no classification provided. Collection method: in vitro. Allele origin: not applicable. Functional consequence: skipped exon, retained intron. Not counted in ClinVar's aggregate classification.

Literature cited by the submitters: PubMed 16199547 (cited by Labcorp Genetics (formerly Invitae), Labcorp); PubMed 16909394 (cited by Labcorp Genetics (formerly Invitae), Labcorp); PubMed 17345604 (cited by Labcorp Genetics (formerly Invitae), Labcorp); PubMed 20690115 (cited by Labcorp Genetics (formerly Invitae), Labcorp).